The following is an entry in ClinVar:

ClinVar aggregate classification (germline): Likely pathogenic. Review status: criteria provided, multiple submitters, no conflicts (2 of 4 stars). 2 submissions from 2 submitters: Likely pathogenic (2). Last evaluated 2026-01-29.

Conditions:
Vertebral, cardiac, renal, and limb defects syndrome 1. Also called: 3-HYDROXYANTHRANILIC ACIDEMIA; CONGENITAL NAD DEFICIENCY DISORDER 1. Identifiers: MedGen C4540004, MONDO:0060554, OMIM 617660.

gnomAD v4.1: 6 of 1,577,680 alleles (0.00038%); highest among the groups gnomAD compares: Middle Eastern, 0.034%; no homozygotes.

Submissions (2):

Dasa
Classification: Likely pathogenic for vertebral, cardiac, renal, and limb defects syndrome 1. Last evaluated: 2026-01-29. Review status: criteria provided, single submitter. Criteria: DASA Assertion Criteria. Collection method: clinical testing. Allele origin: germline.
Comment: NM_012205.3(HAAO):c.80+2T>C affects a canonical splice site and is predicted to disrupt normal RNA splicing. Loss of function is an established disease mechanism for HAAO-associated disorders. Also, this variant is rare in population databases. Based on the currently available evidence, this variant is classified as likely pathogenic.

First Genomix Gene Laboratory, Genetic Diagnostics Department
Classification: Likely pathogenic for Vertebral, cardiac, renal, and limb defects syndrome 1. Last evaluated: 2025-05-28. Review status: criteria provided, single submitter. Criteria: ACMG Guidelines, 2015. Collection method: clinical testing. Allele origin: germline. Inheritance: Autosomal recessive inheritance. Affected: no. Observed: 1 variant allele.

NM_012205.3(HAAO):c.80+2T>C

Genes: HAAO (3-hydroxyanthranilate 3,4-dioxygenase; minus strand), LOC129933588 (ATAC-STARR-seq lymphoblastoid silent region 11411; plus strand). Cytogenetic location: 2p21.
Variant type: single nucleotide variant.
Coding change: c.80+2T>C on transcript NM_012205.3 (MANE Select); the canonical splice donor site of the intron after coding-DNA position 80, T replaced by C.
Molecular consequence: splice donor variant.
Genome position (GRCh38, 1-based): chr2:42,792,455, A>G on the plus strand (T>C on the coding strand, the complement: HAAO is on the minus strand). VCF-style: chr2-42792455-A-G. GRCh37 (hg19) VCF-style: chr2-43019595-A-G.
Identifiers: ClinVar variation 4849493 (VCV004849493.3).